The following is an entry in ClinVar:

NM_003072.5(SMARCA4):c.4767A>G (p.Glu1589=)

Gene: SMARCA4 (SWI/SNF related BAF chromatin remodeling complex subunit ATPase 4; plus strand). Cytogenetic location: 19p13.2.
Variant type: single nucleotide variant.
Coding change: c.4767A>G on transcript NM_003072.5 (MANE Select); coding-DNA position 4767, A replaced by G.
Protein change: p.Glu1589=; no amino-acid change (glutamic acid 1589 retained).
Molecular consequence: synonymous variant. On other transcripts: non-coding transcript variant (1).
Genome position (GRCh38, 1-based): chr19:11,059,884, A>G. VCF-style: chr19-11059884-A-G. GRCh37 (hg19) VCF-style: chr19-11170560-A-G.
Other names: c.4767A>G, p.Glu1589= (NM_001128844.3); c.4677A>G, p.Glu1559= (NM_001128845.2); c.4674A>G, p.Glu1558= (NM_001128846.2); c.4668A>G, p.Glu1556= (NM_001128847.4, NM_001374457.1); c.4665A>G, p.Glu1555= (NM_001128848.2); c.4863A>G, p.Glu1621= (NM_001128849.3, NM_001387283.1); c.4764A>G, p.Glu1588= (NM_001411150.1).
Identifiers: ClinVar variation 4754562 (VCV004754562.1).

ClinVar aggregate classification (germline): Uncertain significance (1 of 4 stars; one submission).

Conditions:
Rhabdoid tumor predisposition syndrome 2 (RTPS2). Identifiers: Orphanet 231108, Orphanet 69077, MedGen C2750074, MONDO:0013224, OMIM 613325.

gnomAD v4.1: 1 of 1,613,866 alleles (0.000062%); highest among the groups gnomAD compares: Non-Finnish European, 0.000085%; no homozygotes.

Submission:

Labcorp Genetics (formerly Invitae), Labcorp
Classification: Uncertain significance for Rhabdoid tumor predisposition syndrome 2. Last evaluated: 2025-11-30. Review status: criteria provided, single submitter. Criteria: Invitae Variant Classification Sherloc (09022015). Collection method: clinical testing. Allele origin: germline.
Comment: This sequence change affects codon 1621 of the SMARCA4 mRNA. It is a 'silent' change, meaning that it does not change the encoded amino acid sequence of the SMARCA4 protein. It affects a nucleotide within the consensus splice site. This variant is not present in population databases (gnomAD no frequency). This variant has not been reported in the literature in individuals affected with SMARCA4-related conditions. Algorithms developed to predict the effect of sequence changes on RNA splicing suggest that this variant is not likely to affect RNA splicing. In summary, the available evidence is currently insufficient to determine the role of this variant in disease. Therefore, it has been classified as a Variant of Uncertain Significance.